The following is an entry in ClinVar:

ClinVar aggregate classification (germline): Uncertain significance (1 of 4 stars; one submission).

Conditions:
Hereditary cancer-predisposing syndrome. Also called: Tumor predisposition; Neoplastic Syndromes, Hereditary; Hereditary neoplastic syndrome; Hereditary Cancer Syndrome. Identifiers: Orphanet 140162, MedGen C0027672, MeSH D009386, MONDO:0015356.

Submission:

Ambry Genetics
Classification: Uncertain significance for Hereditary cancer-predisposing syndrome. Last evaluated: 2025-08-27. Review status: criteria provided, single submitter. Criteria: Ambry Variant Classification Scheme 2023. Collection method: clinical testing. Allele origin: germline.
Comment: The p.S363G variant (also known as c.1087A>G), located in coding exon 12 of the MUTYH gene, results from an A to G substitution at nucleotide position 1087. The serine at codon 363 is replaced by glycine, an amino acid with similar properties. This amino acid position is conserved. In addition, this alteration is predicted to be tolerated by in silico analysis. Based on the available evidence, the clinical significance of this variant remains unclear.

NM_001048174.2(MUTYH):c.1003A>G (p.Ser335Gly)

Gene: MUTYH (mutY DNA glycosylase; minus strand). Cytogenetic location: 1p34.1.
Variant type: single nucleotide variant.
Coding change: c.1003A>G on transcript NM_001048174.2 (MANE Select); coding-DNA position 1003, A replaced by G.
Protein change: p.Ser335Gly; replaces serine 335 with glycine.
Molecular consequence: missense variant. On other transcripts: non-coding transcript variant (7).
Genome position (GRCh38, 1-based): chr1:45,331,760, T>C on the plus strand (A>G on the coding strand, the complement: MUTYH is on the minus strand). VCF-style: chr1-45331760-T-C. GRCh37 (hg19) VCF-style: chr1-45797432-T-C.
Other names: c.1003A>G, p.Ser335Gly (NM_001293195.2, NM_001407070.1, NM_001407072.1 and 6 more transcripts); c.727A>G, p.Ser243Gly (NM_001293196.2, NM_001407091.1, NM_001293192.2); c.658A>G, p.Ser220Gly (NM_001350650.2, NM_001350651.2, NM_001407082.1); c.1036A>G, p.Ser346Gly (NM_001407069.1, NM_001293191.2, NM_001407077.1); c.1006A>G, p.Ser336Gly (NM_001407071.1, NM_001048172.2, NM_001407078.1 and 1 more transcripts); c.1024A>G, p.Ser342Gly (NM_001407087.1); c.1078A>G, p.Ser360Gly (NM_012222.3); c.1087A>G, p.Ser363Gly (NM_001128425.2); and 5 more; short protein forms S307G, S335G, S336G, S346G, S342G, S349G, S243G, S321G.
Identifiers: ClinVar variation 4113001 (VCV004113001.1).